The following is an entry in ClinVar:

NM_000487.6(ARSA):c.863C>A (p.Thr288Asn)

Gene: ARSA (arylsulfatase A; minus strand). Cytogenetic location: 22q13.33.
Variant type: single nucleotide variant.
Coding change: c.863C>A on transcript NM_000487.6 (MANE Select); coding-DNA position 863, C replaced by A.
Protein change: p.Thr288Asn; replaces threonine 288 with asparagine.
Molecular consequence: missense variant.
Genome position (GRCh38, 1-based): chr22:50,626,270, G>T on the plus strand (C>A on the coding strand, the complement: ARSA is on the minus strand). VCF-style: chr22-50626270-G-T. GRCh37 (hg19) VCF-style: chr22-51064698-G-T.
Other names: c.863C>A, p.Thr288Asn (NM_001085425.3, NM_001085426.3, NM_001085427.3); c.605C>A, p.Thr202Asn (NM_001085428.3, NM_001362782.2); short protein forms T288N, T202N.
Identifiers: ClinVar variation 2960834 (VCV002960834.6), dbSNP rs1391709910, ClinGen allele CA412175113.
Genomic context (GRCh38, chr22:50,626,270, plus strand): 5'-TAGGTCGTTCCCTTTCCACACCGCAAGAGACCGGAGCAGCCGCCTCGGGACATACGCATG[G>T]TCTCAGGTCTGGGACACAGGAGGCGCTCATGAGCCATGGAGCCACAGCCTCTGAGCCACC-3'
Protein context (NP_000478.3, residues 278-298): VIFTADNGPE[Thr288Asn]MRMSRGGCSG

ClinVar aggregate classification (germline): Conflicting classifications of pathogenicity. Review status: criteria provided, conflicting classifications (1 of 4 stars). 2 submissions from 2 submitters: Likely pathogenic (1); Uncertain significance (1). Last evaluated 2025-10-29.

Conditions:
Metachromatic leukodystrophy (MLD). Also called: Arylsulfatase A Deficiency; Cerebral sclerosis diffuse metachromatic form; METACHROMATIC LEUKOENCEPHALOPATHY; SULFATIDE LIPIDOSIS; ARSA DEFICIENCY; CEREBROSIDE SULFATASE DEFICIENCY. Identifiers: Orphanet 512, MedGen C0023522, MONDO:0018868, OMIM 250100.

Allele frequency attached by ClinVar (database versions not stated): gnomAD 0.00001; gnomAD exomes 0.00001.
gnomAD v4.1: 4 of 1,612,736 alleles (0.00025%); highest among the groups gnomAD compares: Admixed American, 0.005%; no homozygotes.

Submissions (2):

Myriad Genetics, Inc.
Classification: Uncertain significance for Metachromatic leukodystrophy. Last evaluated: 2025-10-29. Review status: criteria provided, single submitter. Criteria: Myriad Autosomal Dominant, Autosomal Recessive and X-Linked Classification Criteria (2023). Collection method: clinical testing. Allele origin: unknown.
Comment: NM_000487.5(ARSA):c.863C>A(T288N) is a missense variant classified as a variant of uncertain significance in the context of metachromatic leukodystrophy. T288N has not been observed in cases with relevant disease. Relevant functional assessments of this variant are available in the literature (PMID: 37480112). T288N has been observed in referenced population frequency databases. In summary, there is insufficient evidence to classify NM_000487.5(ARSA):c.863C>A(T288N) as pathogenic or benign. Please note: this variant was assessed in the context of healthy population screening.

Labcorp Genetics (formerly Invitae), Labcorp
Classification: Likely pathogenic for Metachromatic leukodystrophy. Last evaluated: 2025-04-09. Review status: criteria provided, single submitter. Criteria: Invitae Variant Classification Sherloc (09022015). Collection method: clinical testing. Allele origin: germline.
Comment: This sequence change replaces threonine, which is neutral and polar, with asparagine, which is neutral and polar, at codon 288 of the ARSA protein (p.Thr288Asn). This variant is present in population databases (no rsID available, gnomAD 0.006%). This variant has not been reported in the literature in individuals affected with ARSA-related conditions. ClinVar contains an entry for this variant (Variation ID: 2960834). Invitae Evidence Modeling of protein sequence and biophysical properties (such as structural, functional, and spatial information, amino acid conservation, physicochemical variation, residue mobility, and thermodynamic stability) indicates that this missense variant is expected to disrupt ARSA protein function with a positive predictive value of 95%. This variant disrupts the p.Thr288 amino acid residue in ARSA. Other variant(s) that disrupt this residue have been determined to be pathogenic (PMID: 11061266, 12035837). This suggests that this residue is clinically significant, and that variants that disrupt this residue are likely to be disease-causing. In summary, the currently available evidence indicates that the variant is pathogenic, but additional data are needed to prove that conclusively. Therefore, this variant has been classified as Likely Pathogenic.

Literature cited by the submitters: PubMed 37480112 (cited by Myriad Genetics, Inc.); PubMed 11061266 (cited by Labcorp Genetics (formerly Invitae), Labcorp); PubMed 12035837 (cited by Labcorp Genetics (formerly Invitae), Labcorp).